The following is an entry in ClinVar:

ClinVar aggregate classification (germline): Uncertain significance (1 of 4 stars; one submission).

Submission:

Labcorp Genetics (formerly Invitae), Labcorp
Classification: Uncertain significance. Last evaluated: 2024-08-12. Review status: criteria provided, single submitter. Criteria: Invitae Variant Classification Sherloc (09022015). Collection method: clinical testing. Allele origin: germline.
Comment: This sequence change replaces isoleucine, which is neutral and non-polar, with phenylalanine, which is neutral and non-polar, at codon 197 of the NFKB1 protein (p.Ile197Phe). This variant is not present in population databases (gnomAD no frequency). This variant has not been reported in the literature in individuals affected with NFKB1-related conditions. An algorithm developed to predict the effect of missense changes on protein structure and function (PolyPhen-2) suggests that this variant is likely to be tolerated. In summary, the available evidence is currently insufficient to determine the role of this variant in disease. Therefore, it has been classified as a Variant of Uncertain Significance.

NM_003998.4(NFKB1):c.589A>T (p.Ile197Phe)

Gene: NFKB1 (nuclear factor kappa B subunit 1; plus strand). Cytogenetic location: 4q24.
Variant type: single nucleotide variant.
Coding change: c.589A>T on transcript NM_003998.4 (MANE Select); coding-DNA position 589, A replaced by T.
Protein change: p.Ile197Phe; replaces isoleucine 197 with phenylalanine.
Molecular consequence: missense variant.
Genome position (GRCh38, 1-based): chr4:102,578,898, A>T. VCF-style: chr4-102578898-A-T. GRCh37 (hg19) VCF-style: chr4-103500055-A-T.
Other names: c.547A>T, p.Ile183Phe (NM_001382628.1); c.586A>T, p.Ile196Phe (NM_001165412.2, NM_001319226.2, NM_001382627.1); c.589A>T, p.Ile197Phe (NM_001382625.1, NM_001382626.1); short protein forms I196F, I183F, I197F.
Identifiers: ClinVar variation 3662060 (VCV003662060.2).